The following is an entry in ClinVar:

ClinVar aggregate classification (germline): Uncertain significance (1 of 4 stars; one submission).

Conditions:
Developmental and epileptic encephalopathy, 12 (DEE12). Identifiers: MedGen C3150988, MONDO:0013389, OMIM 613722.

gnomAD v4.1: 2 of 1,565,882 alleles (0.00013%); highest among the groups gnomAD compares: Non-Finnish European, 0.000086%; no homozygotes.

Submission:

Labcorp Genetics (formerly Invitae), Labcorp
Classification: Uncertain significance for Developmental and epileptic encephalopathy, 12. Last evaluated: 2025-11-17. Review status: criteria provided, single submitter. Criteria: Invitae Variant Classification Sherloc (09022015). Collection method: clinical testing. Allele origin: germline.
Comment: This sequence change replaces alanine, which is neutral and non-polar, with serine, which is neutral and polar, at codon 428 of the PNKP protein (p.Ala428Ser). This variant is not present in population databases (gnomAD no frequency). This variant has not been reported in the literature in individuals affected with PNKP-related conditions. ClinVar contains an entry for this variant (Variation ID: 942373). Invitae Evidence Modeling of protein sequence and biophysical properties (such as structural, functional, and spatial information, amino acid conservation, physicochemical variation, residue mobility, and thermodynamic stability) indicates that this missense variant is not expected to disrupt PNKP protein function with a negative predictive value of 80%. In summary, the available evidence is currently insufficient to determine the role of this variant in disease. Therefore, it has been classified as a Variant of Uncertain Significance.

NM_007254.4(PNKP):c.1282G>T (p.Ala428Ser)

Gene: PNKP (polynucleotide kinase 3'-phosphatase; minus strand). Cytogenetic location: 19q13.33.
Variant type: single nucleotide variant.
Coding change: c.1282G>T on transcript NM_007254.4 (MANE Select); coding-DNA position 1282, G replaced by T.
Protein change: p.Ala428Ser; replaces alanine 428 with serine.
Molecular consequence: missense variant.
Genome position (GRCh38, 1-based): chr19:49,861,788, C>A on the plus strand (G>T on the coding strand, the complement: PNKP is on the minus strand). VCF-style: chr19-49861788-C-A. GRCh37 (hg19) VCF-style: chr19-50365045-C-A.
Other names: short protein forms A428S.
Identifiers: ClinVar variation 942373 (VCV000942373.10), dbSNP rs1568659088, ClinGen allele CA406933395.